The following is an entry in ClinVar:

ClinVar aggregate classification (germline): Benign (1 of 4 stars; one submission).

Conditions:
Leigh syndrome (NULS). Also called: Leigh's necrotizing encephalopathy; Leigh's disease; Leigh Syndrome (mtDNA deletion); Leigh Disease; Subacute necrotizing encephalopathy; Necrotizing encephalopathy infantile subacute of Leigh. Identifiers: Orphanet 506, MedGen C2931891, MONDO:0009723, OMIM 256000.

Submission:

Wong Mito Lab, Molecular and Human Genetics, Baylor College of Medicine
Classification: Benign for Leigh syndrome. Last evaluated: 2019-10-17. Review status: criteria provided, single submitter. Criteria: Modified ACMG Guidelines (Unpublished). Collection method: clinical testing. Allele origin: germline.
Comment: The NC_012920.1:m.10920C>T (YP_003024035.1:p.Pro54Leu) variant in MTND4 gene is interpretated to be a Benign variant based on the modified ACMG guidelines (unpublished). This variant meets the following evidence codes: BS1, BS2, BP4

NC_012920.1(MT-ND4):m.10920C>T

Gene: MT-ND4 (mitochondrially encoded NADH dehydrogenase 4; plus strand).
Variant type: single nucleotide variant.
Genome position: chrM-10920-C-T.
Identifiers: ClinVar variation 693329 (VCV000693329.1), dbSNP rs1556423876, ClinGen allele CA414807529.